The following is an entry in ClinVar:

NM_005045.4(RELN):c.5838C>G (p.Ile1946Met)

Gene: RELN (reelin; minus strand). Cytogenetic location: 7q22.1.
Variant type: single nucleotide variant.
Coding change: c.5838C>G on transcript NM_005045.4 (MANE Select); coding-DNA position 5838, C replaced by G.
Protein change: p.Ile1946Met; replaces isoleucine 1946 with methionine.
Molecular consequence: missense variant.
Genome position (GRCh38, 1-based): chr7:103,553,791, G>C on the plus strand (C>G on the coding strand, the complement: RELN is on the minus strand). VCF-style: chr7-103553791-G-C. GRCh37 (hg19) VCF-style: chr7-103194238-G-C.
Other names: c.5838C>G, p.Ile1946Met (NM_173054.3); short protein forms I1946M.
Identifiers: ClinVar variation 2940070 (VCV002940070.3), dbSNP rs759612378, ClinGen allele CA368740263.

ClinVar aggregate classification (germline): Uncertain significance (1 of 4 stars; one submission).

Conditions:
Norman-Roberts syndrome (LIS2). Also called: Lissencephaly 2 (Norman-Roberts type). Identifiers: Orphanet 89844, MedGen C0796089, MONDO:0009760, OMIM 257320.
Familial temporal lobe epilepsy 7. Identifiers: Orphanet 101046, MedGen C4225327, MONDO:0014639, OMIM 616436.

Submission:

Labcorp Genetics (formerly Invitae), Labcorp
Classification: Uncertain significance for Familial temporal lobe epilepsy 7; Norman-Roberts syndrome. Last evaluated: 2024-05-17. Review status: criteria provided, single submitter. Criteria: Invitae Variant Classification Sherloc (09022015). Collection method: clinical testing. Allele origin: germline.
Comment: This sequence change replaces isoleucine, which is neutral and non-polar, with methionine, which is neutral and non-polar, at codon 1946 of the RELN protein (p.Ile1946Met). This variant is present in population databases (no rsID available, gnomAD 0.0009%). This variant has not been reported in the literature in individuals affected with RELN-related conditions. Advanced modeling of protein sequence and biophysical properties (such as structural, functional, and spatial information, amino acid conservation, physicochemical variation, residue mobility, and thermodynamic stability) performed at Invitae indicates that this missense variant is not expected to disrupt RELN protein function with a negative predictive value of 80%. In summary, the available evidence is currently insufficient to determine the role of this variant in disease. Therefore, it has been classified as a Variant of Uncertain Significance.